The following is an entry in ClinVar:

NM_000337.6(SGCD):c.89G>C (p.Trp30Ser)

Gene: SGCD (sarcoglycan delta; plus strand). Cytogenetic location: 5q33.3.
Variant type: single nucleotide variant.
Coding change: c.89G>C on transcript NM_000337.6 (MANE Select); coding-DNA position 89, G replaced by C.
Protein change: p.Trp30Ser; replaces tryptophan 30 with serine.
Molecular consequence: missense variant.
Genome position (GRCh38, 1-based): chr5:156,344,574, G>C. VCF-style: chr5-156344574-G-C. GRCh37 (hg19) VCF-style: chr5-155771584-G-C.
Other names: c.86G>C, p.Trp29Ser (NM_001128209.2); c.89G>C, p.Trp30Ser (NM_172244.3); short protein forms W30S, W29S.
Identifiers: ClinVar variation 449614 (VCV000449614.2), dbSNP rs121909296, ClinGen allele CA362007672.

ClinVar aggregate classification (germline): Uncertain significance (1 of 4 stars; one submission).

Submission:

GeneDx
Classification: Uncertain significance. Last evaluated: 2015-12-08. Review status: criteria provided, single submitter. Criteria: GeneDx Variant Classification (06012015). Collection method: clinical testing. Allele origin: germline. Affected: yes.
Comment: A variant of uncertain significance has been identified in the SGCD gene. The W30S variant has not been published as a pathogenic variant, nor has it been reported as a benign variant to our knowledge. The W30S variant was not observed in approximately 6,100 individuals of European and African American ancestry in the NHLBI Exome Sequencing Project, indicating it is not a common benign variant in these populations. The W30S variant is a non-conservative amino acid substitution, which is likely to impact secondary protein structure as these residues differ in polarity, charge, size and/or other properties. This substitution occurs at a position that is conserved across species. However, in silico analysis is inconsistent in its predictions as to whether or not the variant is damaging to the protein structure/function. Furthermore, missense variants in nearby residues have not been reported in the Human Gene Mutation Database (Stenson et al., 2014), indicating that this region of the gene is not known to harbor disease-causing variants.Therefore, based on the currently available information, it is unclear whether this variant is pathogenic or rare benign.